The following is an entry in ClinVar:

ClinVar aggregate classification (germline): Uncertain significance (1 of 4 stars; one submission).

gnomAD v4.1: 2 of 1,614,172 alleles (0.00012%); highest among the groups gnomAD compares: Non-Finnish European, 0.00017%; no homozygotes.

Submission:

Labcorp Genetics (formerly Invitae), Labcorp
Classification: Uncertain significance. Last evaluated: 2025-01-17. Review status: criteria provided, single submitter. Criteria: Invitae Variant Classification Sherloc (09022015). Collection method: clinical testing. Allele origin: germline.
Comment: This sequence change replaces phenylalanine, which is neutral and non-polar, with leucine, which is neutral and non-polar, at codon 105 of the CLCN6 protein (p.Phe105Leu). This variant is not present in population databases (gnomAD no frequency). This variant has not been reported in the literature in individuals affected with CLCN6-related conditions. An algorithm developed to predict the effect of missense changes on protein structure and function (PolyPhen-2) suggests that this variant is likely to be tolerated. In summary, the available evidence is currently insufficient to determine the role of this variant in disease. Therefore, it has been classified as a Variant of Uncertain Significance.

NM_001286.5(CLCN6):c.315C>G (p.Phe105Leu)

Gene: CLCN6 (chloride voltage-gated channel 6; plus strand). Cytogenetic location: 1p36.22.
Variant type: single nucleotide variant.
Coding change: c.315C>G on transcript NM_001286.5 (MANE Select); coding-DNA position 315, C replaced by G.
Protein change: p.Phe105Leu; replaces phenylalanine 105 with leucine.
Molecular consequence: missense variant. On other transcripts: non-coding transcript variant (1).
Genome position (GRCh38, 1-based): chr1:11,819,523, C>G. VCF-style: chr1-11819523-C-G. GRCh37 (hg19) VCF-style: chr1-11879580-C-G.
Other names: c.249C>G, p.Phe83Leu (NM_001256959.2); short protein forms F105L, F83L.
Identifiers: ClinVar variation 3674082 (VCV003674082.2).